The following is an entry in ClinVar:

NM_024426.6(WT1):c.1388G>C (p.Arg463Pro)

Gene: WT1 (WT1 transcription factor; minus strand). Cytogenetic location: 11p13.
Variant type: single nucleotide variant.
Coding change: c.1388G>C on transcript NM_024426.6 (MANE Select); coding-DNA position 1388, G replaced by C.
Protein change: p.Arg463Pro; replaces arginine 463 with proline.
Molecular consequence: missense variant. On other transcripts: non-coding transcript variant (1).
Genome position (GRCh38, 1-based): chr11:32,392,031, C>G on the plus strand (G>C on the coding strand, the complement: WT1 is on the minus strand). VCF-style: chr11-32392031-C-G. GRCh37 (hg19) VCF-style: chr11-32413577-C-G.
Other names: c.1337G>C, p.Arg446Pro (NM_000378.6, NM_001407045.1); c.737G>C, p.Arg246Pro (NM_001198551.2); c.686G>C, p.Arg229Pro (NM_001198552.2); c.200G>C, p.Arg67Pro (NM_001367854.1); c.1382G>C, p.Arg461Pro (NM_001407044.1); c.1265G>C, p.Arg422Pro (NM_001407047.1); c.1247G>C, p.Arg416Pro (NM_001407048.1); c.1214G>C, p.Arg405Pro (NM_001407050.1); and 3 more; short protein forms R246P, R463P, R446P, R67P, R229P, R461P, R209P, R405P.
Identifiers: ClinVar variation 625171 (VCV000625171.5), dbSNP rs1037084691, ClinGen allele CA379958896.
Genomic context (GRCh38, chr11:32,392,031, plus strand): 5'-CTTGTTTTACCTGTATGAGTCCTGGTGTGGGTCTTCAGGTGGTCGGACCGGGAGAACTTT[C>G]GCTGACAAGTTTTACACTGGAATGGTTTCACACCTAAATGGACAGAGAAGGTCTAGCCTC-3'
Protein context (NP_077744.4, residues 453-473): VKPFQCKTCQ[Arg463Pro]KFSRSDHLKT

ClinVar aggregate classification (germline): Conflicting classifications of pathogenicity. Review status: criteria provided, conflicting classifications (1 of 4 stars). 2 submissions from 2 submitters: Likely pathogenic (1); Uncertain significance (1). Last evaluated 2024-07-11.

Conditions:
Nephrotic syndrome, type 4 (NPHS4). Also called: Familial mesangial sclerosis; Nephrotic syndrome, early onset with diffuse mesangial sclerosis. Identifiers: Orphanet 656, MedGen C3151568, MONDO:0009733, OMIM 256370.
Acute myeloid leukemia (AML). Also called: Acute myeloid leukemia, adult; AML adult; Acute non-lymphocytic leukemia; Acute granulocytic leukemia; Leukemia, acute myeloid, somatic; Leukemia, acute myelogenous, somatic. Identifiers: Orphanet 519, MedGen C0023467, MeSH D015470, MONDO:0018874, OMIM 601626, HP:0004808. Disease mechanism: Constitutively activated FLT3.

Submissions (2):

3billion
Classification: Likely pathogenic for Nephrotic syndrome, type 4. Last evaluated: 2024-07-11. Review status: criteria provided, single submitter. Criteria: ACMG Guidelines, 2015. Collection method: clinical testing. Allele origin: germline. Affected: yes.
Comment: The variant is not observed in the gnomAD v4.0.0 dataset. Predicted Consequence/Location: The variant is located in a mutational hot spot and/or well-established functional domain in which established pathogenic variants have been reported (PMID: 34386660). A different missense change at the same codon (p.Arg463Gln) has been reported as pathogenic/likely pathogenic with strong evidence (ClinVar ID: VCV000599100 /PMID: 25145932 /3billion dataset). Therefore, this variant is classified as Likely pathogenic according to the recommendation of ACMG/AMP guideline.

Laboratory Oncology Unit, Dr.B.R.A. Institute Rotary Cancer Hospital, All India Institute of Medical Sciences
Classification: Uncertain significance for Acute myeloid leukemia. Last evaluated: 2018-12-06. Review status: criteria provided, single submitter. Criteria: ACMG Guidelines, 2015. Collection method: research. Allele origin: de novo. Affected: yes. Observed: 1 variant allele.

Literature cited by the submitters: PubMed 25145932 (cited by 3billion); PubMed 34386660 (cited by 3billion).